The following is an entry in ClinVar:

ClinVar aggregate classification (germline): Uncertain significance (1 of 4 stars; one submission).

Conditions:
Familial cancer of breast. Also called: Hereditary breast cancer; hereditary breast carcinoma; BREAST CANCER, FAMILIAL. Identifiers: Orphanet 227535, MedGen C0346153, MONDO:0016419, OMIM 114480. Disease mechanism: loss of function.

Submission:

Labcorp Genetics (formerly Invitae), Labcorp
Classification: Uncertain significance for Familial cancer of breast. Last evaluated: 2025-11-09. Review status: criteria provided, single submitter. Criteria: Invitae Variant Classification Sherloc (09022015). Collection method: clinical testing. Allele origin: germline.
Comment: This sequence change replaces alanine, which is neutral and non-polar, with serine, which is neutral and polar, at codon 392 of the CHEK2 protein (p.Ala392Ser). This variant is not present in population databases (gnomAD no frequency). This variant has not been reported in the literature in individuals affected with CHEK2-related conditions. An algorithm developed to predict the effect of missense changes on protein structure and function (PolyPhen-2) suggests that this variant is likely to be disruptive. Experimental studies are conflicting or provide insufficient evidence to determine the effect of this variant on CHEK2 function (PMID: 28743916, 37449874). In summary, the available evidence is currently insufficient to determine the role of this variant in disease. Therefore, it has been classified as a Variant of Uncertain Significance.

Literature cited by the submitters: PubMed 28743916; PubMed 37449874.

NM_007194.4(CHEK2):c.1174G>T (p.Ala392Ser)

Gene: CHEK2 (checkpoint kinase 2; minus strand). Cytogenetic location: 22q12.1.
Variant type: single nucleotide variant.
Coding change: c.1174G>T on transcript NM_007194.4 (MANE Select); coding-DNA position 1174, G replaced by T.
Protein change: p.Ala392Ser; replaces alanine 392 with serine.
Molecular consequence: missense variant.
Genome position (GRCh38, 1-based): chr22:28,695,795, C>A on the plus strand (G>T on the coding strand, the complement: CHEK2 is on the minus strand). VCF-style: chr22-28695795-C-A. GRCh37 (hg19) VCF-style: chr22-29091783-C-A.
Other names: c.1303G>T, p.Ala435Ser (NM_001005735.3); c.511G>T, p.Ala171Ser (NM_001257387.3, NM_001437942.1); c.973G>T, p.Ala325Ser (NM_001349956.3); c.1267G>T, p.Ala423Ser (NM_001438293.1); c.1216G>T, p.Ala406Ser (NM_001438294.1); c.1180G>T, p.Ala394Ser (NM_001438295.1); c.1087G>T, p.Ala363Ser (NM_145862.3); short protein forms A392S, A435S, A363S, A394S, A423S, A171S, A325S, A406S.
Identifiers: ClinVar variation 4730764 (VCV004730764.1).
Genomic context (GRCh38, chr22:28,695,795, plus strand): 5'-TCCAGCAGTCCACAGCACGGTTATACCCAGCAGTCCCAACAGAAACAAGAACTTCAGGCG[C>A]CAAGTAGGTGGGGGTTCCACATAAGGTTCTCATGAGAGAGGTCTCTCCCAAAATCTTGGA-3'
Protein context (NP_009125.1, residues 382-402): RTLCGTPTYL[Ala392Ser]PEVLVSVGTA